The following is an entry in ClinVar:

ClinVar aggregate classification (germline): Uncertain significance (1 of 4 stars; one submission).

Conditions:
Familial hemiplegic migraine. Identifiers: MedGen C0338484, MONDO:0000700.

Allele frequency attached by ClinVar (database versions not stated): gnomAD exomes below 0.00001.
gnomAD v4.1: 1 of 1,614,080 alleles (0.000062%); highest among the groups gnomAD compares: Non-Finnish European, 0.000085%; no homozygotes.

Submission:

Labcorp Genetics (formerly Invitae), Labcorp
Classification: Uncertain significance for Familial hemiplegic migraine. Last evaluated: 2025-05-19. Review status: criteria provided, single submitter. Criteria: Invitae Variant Classification Sherloc (09022015). Collection method: clinical testing. Allele origin: germline.
Comment: This sequence change replaces alanine, which is neutral and non-polar, with valine, which is neutral and non-polar, at codon 793 of the ATP1A2 protein (p.Ala793Val). This variant is not present in population databases (gnomAD no frequency). This variant has not been reported in the literature in individuals affected with ATP1A2-related conditions. ClinVar contains an entry for this variant (Variation ID: 2978088). Invitae Evidence Modeling of protein sequence and biophysical properties (such as structural, functional, and spatial information, amino acid conservation, physicochemical variation, residue mobility, and thermodynamic stability) indicates that this missense variant is not expected to disrupt ATP1A2 protein function with a negative predictive value of 80%. In summary, the available evidence is currently insufficient to determine the role of this variant in disease. Therefore, it has been classified as a Variant of Uncertain Significance.

NM_000702.4(ATP1A2):c.2378C>T (p.Ala793Val)

Gene: ATP1A2 (ATPase Na+/K+ transporting subunit alpha 2; plus strand). Cytogenetic location: 1q23.2.
Variant type: single nucleotide variant.
Coding change: c.2378C>T on transcript NM_000702.4 (MANE Select); coding-DNA position 2378, C replaced by T.
Protein change: p.Ala793Val; replaces alanine 793 with valine.
Molecular consequence: missense variant.
Genome position (GRCh38, 1-based): chr1:160,135,932, C>T. VCF-style: chr1-160135932-C-T. GRCh37 (hg19) VCF-style: chr1-160105722-C-T.
Other names: short protein forms A793V.
Identifiers: ClinVar variation 2978088 (VCV002978088.3), dbSNP rs2524888581, ClinGen allele CA343250591.